The following is an entry in ClinVar:

ClinVar aggregate classification (germline): Uncertain significance. Review status: criteria provided, multiple submitters, no conflicts (2 of 4 stars). 2 submissions from 2 submitters: Uncertain significance (2). Last evaluated 2024-08-22.

Conditions:
Hypoplastic left heart syndrome. Also called: Hypoplastic left ventricle; Hypoplastic left heart. Identifiers: Orphanet 2248, MedGen C0152101, MONDO:0004933, HP:0004383.

Allele frequency attached by ClinVar (database versions not stated): TOPMed below 0.00001; gnomAD 0.00001; gnomAD exomes 0.00002.

Submissions (2):

Labcorp Genetics (formerly Invitae), Labcorp
Classification: Uncertain significance for Hypoplastic left heart syndrome. Last evaluated: 2024-08-22. Review status: criteria provided, single submitter. Criteria: Invitae Variant Classification Sherloc (09022015). Collection method: clinical testing. Allele origin: germline.
Comment: This sequence change replaces glutamic acid, which is acidic and polar, with glycine, which is neutral and non-polar, at codon 103 of the HAND1 protein (p.Glu103Gly). This variant is present in population databases (no rsID available, gnomAD 0.0009%). This variant has not been reported in the literature in individuals affected with HAND1-related conditions. ClinVar contains an entry for this variant (Variation ID: 2177881). An algorithm developed to predict the effect of missense changes on protein structure and function (PolyPhen-2) suggests that this variant is likely to be disruptive. In summary, the available evidence is currently insufficient to determine the role of this variant in disease. Therefore, it has been classified as a Variant of Uncertain Significance.

Blueprint Genetics
Classification: Uncertain significance. Last evaluated: 2023-07-06. Review status: criteria provided, single submitter. Criteria: ACMG Guidelines, 2015. Collection method: clinical testing. Allele origin: germline.

NM_004821.3(HAND1):c.308A>G (p.Glu103Gly)

Gene: HAND1 (heart and neural crest derivatives expressed 1; minus strand). Cytogenetic location: 5q33.2.
Variant type: single nucleotide variant.
Coding change: c.308A>G on transcript NM_004821.3 (MANE Select); coding-DNA position 308, A replaced by G.
Protein change: p.Glu103Gly; replaces glutamic acid 103 with glycine.
Molecular consequence: missense variant.
Genome position (GRCh38, 1-based): chr5:154,477,701, T>C on the plus strand (A>G on the coding strand, the complement: HAND1 is on the minus strand). VCF-style: chr5-154477701-T-C. GRCh37 (hg19) VCF-style: chr5-153857261-T-C.
Other names: short protein forms E103G.
Identifiers: ClinVar variation 2177881 (VCV002177881.5), dbSNP rs1182283102, ClinGen allele CA361922748.